The following is an entry in ClinVar:

NM_182931.3(KMT2E):c.208C>G (p.Pro70Ala)

Gene: KMT2E (lysine methyltransferase 2E (inactive); plus strand). Cytogenetic location: 7q22.3.
Variant type: single nucleotide variant.
Coding change: c.208C>G on transcript NM_182931.3 (MANE Select); coding-DNA position 208, C replaced by G.
Protein change: p.Pro70Ala; replaces proline 70 with alanine.
Molecular consequence: missense variant.
Genome position (GRCh38, 1-based): chr7:105,063,372, C>G. VCF-style: chr7-105063372-C-G. GRCh37 (hg19) VCF-style: chr7-104703819-C-G.
Other names: c.208C>G, p.Pro70Ala (NM_001410908.1, NM_018682.4); short protein forms P70A.
Identifiers: ClinVar variation 2865952 (VCV002865952.3), dbSNP rs2536385139, ClinGen allele CA368774372.

ClinVar aggregate classification (germline): Uncertain significance (1 of 4 stars; one submission).

Submission:

Labcorp Genetics (formerly Invitae), Labcorp
Classification: Uncertain significance. Last evaluated: 2023-05-19. Review status: criteria provided, single submitter. Criteria: Invitae Variant Classification Sherloc (09022015). Collection method: clinical testing. Allele origin: germline.
Comment: Advanced modeling of protein sequence and biophysical properties (such as structural, functional, and spatial information, amino acid conservation, physicochemical variation, residue mobility, and thermodynamic stability) performed at Invitae indicates that this missense variant is expected to disrupt KMT2E protein function. In summary, the available evidence is currently insufficient to determine the role of this variant in disease. Therefore, it has been classified as a Variant of Uncertain Significance. This sequence change replaces proline, which is neutral and non-polar, with alanine, which is neutral and non-polar, at codon 70 of the KMT2E protein (p.Pro70Ala). This variant is not present in population databases (gnomAD no frequency). This variant has not been reported in the literature in individuals affected with KMT2E-related conditions.